The following is an entry in ClinVar:

ClinVar aggregate classification (germline): Uncertain significance (1 of 4 stars; one submission).

Conditions:
CTR9-related disorder. Also called: CTR9-related condition.

Submission:

PreventionGenetics, part of Exact Sciences
Classification: Uncertain significance for CTR9-related condition. Last evaluated: 2024-11-27. Review status: criteria provided, single submitter. Criteria: ACMG Guidelines, 2015. Collection method: clinical testing. Allele origin: germline.
Comment: The CTR9 c.732C>A variant is predicted to result in the amino acid substitution p.Asn244Lys. To our knowledge, this variant has not been reported in the literature or in a large population database (gnomAD), indicating this variant is rare. At this time, the clinical significance of this variant is uncertain due to the absence of conclusive functional and genetic evidence.

NM_014633.5(CTR9):c.732C>A (p.Asn244Lys)

Gene: CTR9 (CTR9 component of Paf1/RNA polymerase II complex; plus strand). Cytogenetic location: 11p15.4.
Variant type: single nucleotide variant.
Coding change: c.732C>A on transcript NM_014633.5 (MANE Select); coding-DNA position 732, C replaced by A.
Protein change: p.Asn244Lys; replaces asparagine 244 with lysine.
Molecular consequence: missense variant.
Genome position (GRCh38, 1-based): chr11:10,760,312, C>A. VCF-style: chr11-10760312-C-A. GRCh37 (hg19) VCF-style: chr11-10781859-C-A.
Other names: c.732C>A, p.Asn244Lys (NM_001346279.2); short protein forms N244K.
Identifiers: ClinVar variation 4997990 (VCV004997990.1).
Genomic context (GRCh38, chr11:10,760,312, plus strand): 5'-CCTGGAACTCAATTCCAAATGCGTGGGAGCATTGGTTGGACTGGCTGTTCTAGAACTCAA[C>A]AATAAAGAGGTATGTAAATGAAAAAAGTATCTAGCTCCTAACTGCTTTGTCAGGCCCACA-3'
Protein context (NP_055448.1, residues 234-254): ALVGLAVLEL[Asn244Lys]NKEADSIKNG